The following is an entry in ClinVar:

ClinVar aggregate classification (germline): Benign. Review status: criteria provided, multiple submitters, no conflicts (2 of 4 stars). 2 submissions from 2 submitters: Benign (2). Last evaluated 2018-06-15.

Allele frequency attached by ClinVar (database versions not stated): TOPMed 0.55189; 1000 Genomes Project 30x 0.57792; gnomAD 0.57921; 1000 Genomes Project 0.58466.
gnomAD v4.1: 903,373 of 1,348,214 alleles (67%); highest among the groups gnomAD compares: East Asian, 81%; 311,652 homozygotes.

Submissions (2):

GeneDx
Classification: Benign. Last evaluated: 2018-06-15. Review status: criteria provided, single submitter. Criteria: GeneDx Variant Classification (06012015). Collection method: clinical testing. Allele origin: germline. Affected: yes.
Comment: This variant is considered likely benign or benign based on one or more of the following criteria: it is a conservative change, it occurs at a poorly conserved position in the protein, it is predicted to be benign by multiple in silico algorithms, and/or has population frequency not consistent with disease.

Breakthrough Genomics
Classification: Benign. Review status: criteria provided, single submitter. Criteria: ACMG Guidelines, 2015. Collection method: not provided. Allele origin: germline. Inheritance: Unknown mechanism. Affected: yes.

NM_004304.5(ALK):c.1647+66G>A

Gene: ALK (ALK receptor tyrosine kinase; minus strand). Cytogenetic location: 2p23.2.
Variant type: single nucleotide variant.
Coding change: c.1647+66G>A on transcript NM_004304.5 (MANE Select); 66 bases into the intron after coding-DNA position 1647, G replaced by A.
Molecular consequence: intron variant.
Genome position (GRCh38, 1-based): chr2:29,318,238, C>T on the plus strand (G>A on the coding strand, the complement: ALK is on the minus strand). VCF-style: chr2-29318238-C-T. GRCh37 (hg19) VCF-style: chr2-29541104-C-T.
Identifiers: ClinVar variation 676804 (VCV000676804.2), dbSNP rs2276549, ClinGen allele CA11181941.